The following is an entry in ClinVar:

NC_012920.1(MT-ND4):m.10932C>T

Gene: MT-ND4 (mitochondrially encoded NADH dehydrogenase 4; plus strand).
Variant type: single nucleotide variant.
Genome position: chrM-10932-C-T.
Identifiers: ClinVar variation 693331 (VCV000693331.1), dbSNP rs1603223028, ClinGen allele CA414807575.

ClinVar aggregate classification (germline): Uncertain significance (1 of 4 stars; one submission).

Conditions:
Leigh syndrome (NULS). Also called: Leigh's necrotizing encephalopathy; Leigh's disease; Leigh Syndrome (mtDNA deletion); Leigh Disease; Subacute necrotizing encephalopathy; Necrotizing encephalopathy infantile subacute of Leigh. Identifiers: Orphanet 506, MedGen C2931891, MONDO:0009723, OMIM 256000.

Submission:

Wong Mito Lab, Molecular and Human Genetics, Baylor College of Medicine
Classification: Uncertain significance for Leigh syndrome. Last evaluated: 2019-10-17. Review status: criteria provided, single submitter. Criteria: Modified ACMG Guidelines (Unpublished). Collection method: clinical testing. Allele origin: germline.
Comment: The NC_012920.1:m.10932C>T (YP_003024035.1:p.Ser58Phe) variant in MTND4 gene is interpretated to be a Uncertain Significance variant based on the modified ACMG guidelines (unpublished). This variant meets the following evidence codes: PP7, BP4